The following is an entry in ClinVar:

NM_020297.4(ABCC9):c.3462G>A (p.Arg1154=)

Gene: ABCC9 (ATP binding cassette subfamily C member 9; minus strand). Cytogenetic location: 12p12.1.
Variant type: single nucleotide variant.
Coding change: c.3462G>A on transcript NM_020297.4 (MANE Select); coding-DNA position 3462, G replaced by A.
Protein change: p.Arg1154=; no amino-acid change (arginine 1154 retained).
Molecular consequence: synonymous variant.
Genome position (GRCh38, 1-based): chr12:21,842,325, C>T on the plus strand (G>A on the coding strand, the complement: ABCC9 is on the minus strand). VCF-style: chr12-21842325-C-T. GRCh37 (hg19) VCF-style: chr12-21995259-C-T.
Other names: c.3462G>A, p.Arg1154= (NM_001377273.1, NM_005691.4); c.2595G>A, p.Arg865= (NM_001377274.1); c.3462G>A (NM_005691.3).
Identifiers: ClinVar variation 509347 (VCV000509347.11), dbSNP rs1336342134, ClinGen allele CA478876026.

ClinVar aggregate classification (germline): Likely benign. Review status: criteria provided, multiple submitters, no conflicts (2 of 4 stars). 4 submissions from 4 submitters: Likely benign (4). Last evaluated 2025-07-29.

Conditions:
Hypertrichotic osteochondrodysplasia Cantu type. Also called: Cantu Syndrome; Cantú Syndrome. Identifiers: Orphanet 1517, MedGen C0795905, MONDO:0009406, OMIM 239850.
Dilated cardiomyopathy 1O (CMD1O). Also called: CARDIOMYOPATHY, DILATED, WITH VENTRICULAR TACHYCARDIA. Identifiers: Orphanet 154, MedGen C1837839, MONDO:0012062, OMIM 608569.
Intellectual disability and myopathy syndrome (IDMYS). Identifiers: MedGen C5676904, MONDO:0859224, OMIM 619719.
Atrial fibrillation, familial, 12 (ATFB12). Identifiers: MedGen C3279695, MONDO:0013545, OMIM 614050.
Cardiovascular phenotype. Identifiers: MedGen CN230736.

Allele frequency attached by ClinVar (database versions not stated): gnomAD exomes below 0.00001; TOPMed 0.00001; gnomAD 0.00002.
gnomAD v4.1: 6 of 1,613,642 alleles (0.00037%); highest among the groups gnomAD compares: Non-Finnish European, 0.00051%; no homozygotes.

Submissions (4):

Labcorp Genetics (formerly Invitae), Labcorp
Classification: Likely benign for Dilated cardiomyopathy 1O. Last evaluated: 2025-07-29. Review status: criteria provided, single submitter. Criteria: Invitae Variant Classification Sherloc (09022015). Collection method: clinical testing. Allele origin: germline.

Ambry Genetics
Classification: Likely benign for Cardiovascular phenotype. Last evaluated: 2021-11-24. Review status: criteria provided, single submitter. Criteria: Ambry Variant Classification Scheme 2023. Collection method: clinical testing. Allele origin: germline.

Fulgent Genetics
Classification: Likely benign for Hypertrichotic osteochondrodysplasia Cantu type; Dilated cardiomyopathy 1O; Atrial fibrillation, familial, 12; Intellectual disability and myopathy syndrome. Last evaluated: 2021-07-21. Review status: criteria provided, single submitter. Criteria: ACMG Guidelines, 2015. Collection method: clinical testing. Allele origin: unknown.

GeneDx
Classification: Likely benign. Last evaluated: 2021-06-01. Review status: criteria provided, single submitter. Criteria: GeneDx Variant Classification Process June 2021. Collection method: clinical testing. Allele origin: germline. Affected: yes.
Comment: This variant is associated with the following publications: (PMID: 27535533)